The following is an entry in ClinVar:

ClinVar aggregate classification (germline): Uncertain significance (1 of 4 stars; one submission).

Conditions:
Inborn genetic diseases. Identifiers: MedGen C0950123, MeSH D030342.

gnomAD v4.1: 4 of 1,613,284 alleles (0.00025%); highest among the groups gnomAD compares: Non-Finnish European, 0.00034%; no homozygotes.

Submission:

Ambry Genetics
Classification: Uncertain significance for Inborn genetic diseases. Last evaluated: 2020-07-31. Review status: criteria provided, single submitter. Criteria: Ambry Variant Classification Scheme 2023. Collection method: clinical testing. Allele origin: germline.
Comment: The p.A1403S variant (also known as c.4207G>T), located in coding exon 35 of the DNMT1 gene, results from a G to T substitution at nucleotide position 4207. The alanine at codon 1403 is replaced by serine, an amino acid with similar properties. This amino acid position is poorly conserved in available vertebrate species. In addition, this alteration is predicted to be tolerated by in silico analysis. Since supporting evidence is limited at this time, the clinical significance of this alteration remains unclear.

NM_001130823.3(DNMT1):c.4255G>T (p.Ala1419Ser)

Gene: DNMT1 (DNA methyltransferase 1; minus strand). Cytogenetic location: 19p13.2.
Variant type: single nucleotide variant.
Coding change: c.4255G>T on transcript NM_001130823.3 (MANE Select); coding-DNA position 4255, G replaced by T.
Protein change: p.Ala1419Ser; replaces alanine 1419 with serine.
Molecular consequence: missense variant.
Genome position (GRCh38, 1-based): chr19:10,137,870, C>A on the plus strand (G>T on the coding strand, the complement: DNMT1 is on the minus strand). VCF-style: chr19-10137870-C-A. GRCh37 (hg19) VCF-style: chr19-10248546-C-A.
Other names: c.4207G>T, p.Ala1403Ser (NM_001318730.2, NM_001379.4); c.3892G>T, p.Ala1298Ser (NM_001318731.2); short protein forms A1298S, A1419S, A1403S.
Identifiers: ClinVar variation 1738697 (VCV001738697.2), dbSNP rs374047326, ClinGen allele CA403970183.